The following is an entry in ClinVar:

NM_000352.6(ABCC8):c.1924-17C>T

Gene: ABCC8 (ATP binding cassette subfamily C member 8; minus strand). Cytogenetic location: 11p15.1.
Variant type: single nucleotide variant.
Coding change: c.1924-17C>T on transcript NM_000352.6 (MANE Select); 17 bases into the intron before coding-DNA position 1924, C replaced by T.
Molecular consequence: intron variant. On other transcripts: missense variant (1).
Genome position (GRCh38, 1-based): chr11:17,428,422, G>A on the plus strand (C>T on the coding strand, the complement: ABCC8 is on the minus strand). VCF-style: chr11-17428422-G-A. GRCh37 (hg19) VCF-style: chr11-17449969-G-A.
Other names: c.1973C>T (NM_001351295.1); c.1924-17C>T (NM_000352.3, NM_001287174.3); c.1973C>T, p.Pro658Leu (NM_001351295.2); c.1921-17C>T (NM_001351297.2, NM_001351296.2); short protein forms P658L.
Identifiers: ClinVar variation 1600562 (VCV001600562.40), dbSNP rs117189973, ClinGen allele CA5903382.

ClinVar aggregate classification (germline): Benign/Likely benign. Review status: criteria provided, multiple submitters, no conflicts (2 of 4 stars). 10 submissions from 10 submitters: Benign (3); Likely benign (7). Last evaluated 2026-08-01.

Conditions:
Type 2 diabetes mellitus. Also called: Type II diabetes mellitus. Identifiers: MedGen C0011860, MeSH D003924, MONDO:0005148, OMIM 125853, HP:0005978.
Diabetes mellitus, transient neonatal, 2 (TNDM2). Identifiers: Orphanet 99886, MedGen C1835887, MONDO:0012480, OMIM 610374. Disease mechanism: loss of function.
Hyperinsulinemic hypoglycemia, familial, 1 (HHF1). Also called: HYPERINSULINISM, FAMILIAL, WITH PANCREATIC NESIDIOBLASTOSIS; HYPOGLYCEMIA, HYPERINSULINEMIC, OF INFANCY; NESIDIOBLASTOSIS OF PANCREAS; Persistent Hyperinsulinemia Hypoglycemia of Infancy; Persistent hyperinsulinemic hypoglycemia of infancy. Identifiers: Orphanet 276575, Orphanet 276598, MedGen C2931832, MONDO:0009734, OMIM 256450.
Leucine-induced hypoglycemia (LIH). Also called: LEUCINE-SENSITIVE HYPOGLYCEMIA OF INFANCY. Identifiers: MedGen C0271714, MONDO:0009415, OMIM 240800.
Diabetes mellitus, permanent neonatal 3. Also called: ABCC8-Related Permanent Neonatal Diabetes Mellitus. Identifiers: MedGen C5394303, MONDO:0030088, OMIM 618857.
Pulmonary arterial hypertension. Identifiers: Orphanet 182090, MedGen C2973725, MeSH D000081029, MONDO:0015924, HP:0002092.
ABCC8-related disorder.
Inborn genetic diseases. Identifiers: MedGen C0950123, MeSH D030342.

Allele frequency attached by ClinVar (database versions not stated): gnomAD 0.00103 and 0.00105; gnomAD exomes 0.00157 and 0.00093; 1000 Genomes Project 0.00020; 1000 Genomes Project 30x 0.00031; ESP Exome Variant Server 0.00077; TOPMed 0.00083; ExAC 0.00100.
gnomAD v4.1: 2,409 of 1,610,500 alleles (0.15%); highest among the groups gnomAD compares: Non-Finnish European, 0.2%; 3 homozygotes.

Submissions (10):

CeGaT Center for Human Genetics Tuebingen
Classification: Likely benign. Last evaluated: 2026-08-01. Review status: criteria provided, single submitter. Criteria: CeGaT Center For Human Genetics Tuebingen Variant Classification Criteria Version 2. Collection method: clinical testing. Allele origin: germline. Affected: yes. Observed: 5 variant alleles.
Comment: ABCC8: BP4, BS2

Labcorp Genetics (formerly Invitae), Labcorp
Classification: Benign. Last evaluated: 2026-01-24. Review status: criteria provided, single submitter. Criteria: Invitae Variant Classification Sherloc (09022015). Collection method: clinical testing. Allele origin: germline.

ARUP Laboratories, Molecular Genetics and Genomics, ARUP Laboratories
Classification: Likely benign. Last evaluated: 2025-03-20. Review status: criteria provided, single submitter. Criteria: ARUP Molecular Germline Variant Investigation Process 2024. Collection method: clinical testing. Allele origin: germline.

Women's Health and Genetics/Laboratory Corporation of America, LabCorp
Classification: Benign. Last evaluated: 2024-12-16. Review status: criteria provided, single submitter. Criteria: LabCorp Variant Classification Summary - May 2015. Collection method: clinical testing. Allele origin: germline.
Comment: Variant summary: ABCC8 c.1924-17C>T alters a conserved nucleotide located at a position not widely known to affect splicing. Consensus agreement among computation tools predict no significant impact on normal splicing (TrAP). However, these predictions have yet to be confirmed by functional studies. The variant allele was found at a frequency of 0.00093 in 249578 control chromosomes in the gnomAD database, including 1 homozygotes. To our knowledge, no occurrence of c.1924-17C>T in individuals affected with Familial Hyperinsulinism and no experimental evidence demonstrating its impact on protein function have been reported. ClinVar contains an entry for this variant (Variation ID: 1600562). Based on the evidence outlined above, the variant was classified as benign.

Blueprint Genetics
Classification: Likely benign. Last evaluated: 2024-11-26. Review status: criteria provided, single submitter. Criteria: ACMG Guidelines, 2015. Collection method: clinical testing. Allele origin: germline.

PreventionGenetics, part of Exact Sciences
Classification: Likely benign for ABCC8-related condition. Last evaluated: 2024-10-10. Review status: criteria provided, single submitter. Criteria: ACMG Guidelines, 2015. Collection method: clinical testing. Allele origin: germline.
Comment: This variant is classified as likely benign based on ACMG/AMP sequence variant interpretation guidelines (Richards et al. 2015 PMID: 25741868, with internal and published modifications).

Department of Pathology and Laboratory Medicine, Sinai Health System
Classification: Likely benign for pulmonary arterial hypertension. Last evaluated: 2022-06-08. Review status: criteria provided, single submitter. Criteria: ACMG Guidelines, 2015. Collection method: research. Allele origin: germline.

Fulgent Genetics
Classification: Likely benign for Type 2 diabetes mellitus; Leucine-induced hypoglycemia; Hyperinsulinemic hypoglycemia, familial, 1; Diabetes mellitus, transient neonatal, 2; Diabetes mellitus, permanent neonatal 3. Last evaluated: 2022-04-28. Review status: criteria provided, single submitter. Criteria: ACMG Guidelines, 2015. Collection method: clinical testing. Allele origin: unknown.

Ambry Genetics
Classification: Likely benign for Inborn genetic diseases. Last evaluated: 2022-01-27. Review status: criteria provided, single submitter. Criteria: Ambry Variant Classification Scheme 2023. Collection method: clinical testing. Allele origin: germline.

Breakthrough Genomics
Classification: Benign. Review status: criteria provided, single submitter. Criteria: ACMG Guidelines, 2015. Collection method: not provided. Allele origin: germline. Inheritance: Autosomal recessive inheritance. Affected: yes.